The following is an entry in ClinVar:

ClinVar aggregate classification (germline): Conflicting classifications of pathogenicity. Review status: criteria provided, conflicting classifications (1 of 4 stars). 7 submissions from 7 submitters: Uncertain significance (1); Benign (1); Likely benign (5). Last evaluated 2026-07-06.

Conditions:
Coffin-Siris syndrome. Identifiers: Orphanet 1465, MedGen C0265338, MONDO:0015452.
Intellectual disability, autosomal dominant 16 (CSS4). Also called: COFFIN-SIRIS SYNDROME 4. Identifiers: Orphanet 1465, MedGen C3553249, MONDO:0013821, OMIM 614609.
Rhabdoid tumor predisposition syndrome 2 (RTPS2). Identifiers: Orphanet 231108, Orphanet 69077, MedGen C2750074, MONDO:0013224, OMIM 613325.

Allele frequency attached by ClinVar (database versions not stated): TOPMed 0.00003; gnomAD exomes 0.00007 and 0.00006; gnomAD 0.00003; ExAC 0.00007.
gnomAD v4.1: 110 of 1,613,732 alleles (0.0068%); highest among the groups gnomAD compares: Non-Finnish European, 0.009%; no homozygotes.

Submissions (7):

Myriad Genetics, Inc.
Classification: Likely benign for Rhabdoid tumor predisposition syndrome 2. Last evaluated: 2026-07-06. Review status: criteria provided, single submitter. Criteria: Myriad Autosomal Dominant, Autosomal Recessive and X-Linked Classification Criteria (2023). Collection method: clinical testing. Allele origin: unknown.
Comment: This variant is considered likely benign. This variant is intronic and is not expected to impact mRNA splicing. This variant has been observed at a population frequency that is significantly greater than expected given the associated disease prevalence and penetrance.

Labcorp Genetics (formerly Invitae), Labcorp
Classification: Likely benign for Rhabdoid tumor predisposition syndrome 2. Last evaluated: 2025-10-01. Review status: criteria provided, single submitter. Criteria: Invitae Variant Classification Sherloc (09022015). Collection method: clinical testing. Allele origin: germline.

Quest Diagnostics Nichols Institute San Juan Capistrano
Classification: Uncertain significance. Last evaluated: 2023-09-01. Review status: criteria provided, single submitter. Criteria: Quest Diagnostics criteria. Collection method: clinical testing. Allele origin: unknown.
Comment: To the best of our knowledge, this variant has not been reported in the published literature. The frequency of this variant in the general population, 0.00012 (16/128962 chromosomes in European (Non-Finnish) subpopulation (Genome Aggregation Database)), is higher than would generally be expected for pathogenic variants in this gene. Analysis of this variant using software algorithms for the prediction of the effect of nucleotide changes on splicing yielded predictions that this variant may affect proper SMARCA4 mRNA splicing . Based on the available information, we are unable to determine the clinical significance of this variant.

CeGaT Center for Human Genetics Tuebingen
Classification: Likely benign. Last evaluated: 2021-11-01. Review status: criteria provided, single submitter. Criteria: CeGaT Center For Human Genetics Tuebingen Variant Classification Criteria Version 2. Collection method: clinical testing. Allele origin: germline. Affected: yes. Observed: 2 variant alleles.

Genome-Nilou Lab
Classification: Likely benign for Intellectual disability, autosomal dominant 16. Last evaluated: 2021-07-15. Review status: criteria provided, single submitter. Criteria: ACMG Guidelines, 2015. Collection method: clinical testing. Allele origin: germline. Affected: no.

Illumina Laboratory Services, Illumina
Classification: Benign for Coffin-Siris syndrome. Last evaluated: 2018-01-12. Review status: criteria provided, single submitter. Criteria: ICSL Variant Classification Criteria 13 December 2019. Collection method: clinical testing. Allele origin: germline.
Comment: This variant was observed in the ICSL laboratory as part of a predisposition screen in an ostensibly healthy population. It had not been previously curated by ICSL or reported in the Human Gene Mutation Database (HGMD: prior to June 1st, 2018), and was therefore a candidate for classification through an automated scoring system. Utilizing variant allele frequency, disease prevalence and penetrance estimates, and inheritance mode, an automated score was calculated to assess if this variant is too frequent to cause the disease. Based on the score and internal cut-off values, a variant classified as benign is not then subjected to further curation. The score for this variant resulted in a classification of benign for this disease.

GeneDx
Classification: Likely benign. Last evaluated: 2016-10-07. Review status: criteria provided, single submitter. Criteria: GeneDx Variant Classification (06012015). Collection method: clinical testing. Allele origin: germline. Affected: yes.
Comment: This variant is considered likely benign or benign based on one or more of the following criteria: it is a conservative change, it occurs at a poorly conserved position in the protein, it is predicted to be benign by multiple in silico algorithms, and/or has population frequency not consistent with disease.

NM_003072.5(SMARCA4):c.223-7C>G

Gene: SMARCA4 (SWI/SNF related BAF chromatin remodeling complex subunit ATPase 4; plus strand). Cytogenetic location: 19p13.2.
Variant type: single nucleotide variant.
Coding change: c.223-7C>G on transcript NM_003072.5 (MANE Select); 7 bases into the intron before coding-DNA position 223, C replaced by G.
Molecular consequence: intron variant.
Genome position (GRCh38, 1-based): chr19:10,985,266, C>G. VCF-style: chr19-10985266-C-G. GRCh37 (hg19) VCF-style: chr19-11095942-C-G.
Other names: c.223-7C>G (NM_001128844.3, NM_001128849.3, NM_001128847.4 and 5 more transcripts).
Identifiers: ClinVar variation 238395 (VCV000238395.52), dbSNP rs762146990, ClinGen allele CA9203440.